The following is an entry in ClinVar:

ClinVar aggregate classification (germline): Uncertain significance. Review status: criteria provided, multiple submitters, no conflicts (2 of 4 stars). 2 submissions from 2 submitters: Uncertain significance (2). Last evaluated 2026-04-08.

Conditions:
Hereditary cancer-predisposing syndrome. Also called: Tumor predisposition; Hereditary neoplastic syndrome; Neoplastic Syndromes, Hereditary; Hereditary Cancer Syndrome. Identifiers: Orphanet 140162, MedGen C0027672, MeSH D009386, MONDO:0015356.

Submissions (2):

Ambry Genetics
Classification: Uncertain significance for Hereditary cancer-predisposing syndrome. Last evaluated: 2026-04-08. Review status: criteria provided, single submitter. Criteria: Ambry Variant Classification Scheme 2023. Collection method: clinical testing. Allele origin: germline.
Comment: The p.E457D variant (also known as c.1371A>C), located in coding exon 4 of the PALB2 gene, results from an A to C substitution at nucleotide position 1371. The glutamic acid at codon 457 is replaced by aspartic acid, an amino acid with highly similar properties. This amino acid position is conserved. In addition, this alteration is predicted to be tolerated by in silico analysis. Based on the available evidence, the clinical significance of this variant remains unclear.

Color Diagnostics, LLC DBA Color Health
Classification: Uncertain significance for Hereditary cancer-predisposing syndrome. Last evaluated: 2023-12-05. Review status: criteria provided, single submitter. Criteria: ACMG Guidelines, 2015. Collection method: clinical testing. Allele origin: germline.
Comment: This missense variant replaces glutamic acid with aspartic acid at codon 457 of the PALB2 protein. Computational prediction suggests that this variant may not impact protein structure and function (internally defined REVEL score threshold <= 0.5, PMID: 27666373). To our knowledge, functional studies have not been reported for this variant. This variant has not been reported in individuals affected with PALB2-related disorders in the literature. This variant has not been identified in the general population by the Genome Aggregation Database (gnomAD). The available evidence is insufficient to determine the role of this variant in disease conclusively. Therefore, this variant is classified as a Variant of Uncertain Significance.

NM_024675.4(PALB2):c.1371A>C (p.Glu457Asp)

Gene: PALB2 (partner and localizer of BRCA2; minus strand). Cytogenetic location: 16p12.2.
Variant type: single nucleotide variant.
Coding change: c.1371A>C on transcript NM_024675.4 (MANE Select); coding-DNA position 1371, A replaced by C.
Protein change: p.Glu457Asp; replaces glutamic acid 457 with aspartic acid.
Molecular consequence: missense variant.
Genome position (GRCh38, 1-based): chr16:23,635,175, T>G on the plus strand (A>C on the coding strand, the complement: PALB2 is on the minus strand). VCF-style: chr16-23635175-T-G. GRCh37 (hg19) VCF-style: chr16-23646496-T-G.
Other names: short protein forms E457D.
Identifiers: ClinVar variation 492158 (VCV000492158.6), dbSNP rs1555461314, ClinGen allele CA395131441.